The following is an entry in ClinVar:

ClinVar aggregate classification (germline): Uncertain significance (1 of 4 stars; one submission).

Conditions:
Early-infantile DEE. Also called: Early infantile epileptic encephalopathy; Ohtahara syndrome; Early infantile epileptic encephalopathy with suppression bursts. Identifiers: Orphanet 1934, MedGen C0393706, MONDO:0800491.

Submission:

Labcorp Genetics (formerly Invitae), Labcorp
Classification: Uncertain significance for Early-infantile DEE. Last evaluated: 2018-07-02. Review status: criteria provided, single submitter. Criteria: Invitae Variant Classification Sherloc (09022015). Collection method: clinical testing. Allele origin: germline.
Comment: Algorithms developed to predict the effect of sequence changes on RNA splicing suggest that this variant may create or strengthen a splice site, but this prediction has not been confirmed by published transcriptional studies. Algorithms developed to predict the effect of missense changes on protein structure and function are either unavailable or do not agree on the potential impact of this missense change (SIFT: "Deleterious"; PolyPhen-2: "Benign"; Align-GVGD: "Class C25"). This variant has not been reported in the literature in individuals with HCN1-related disease. This variant is not present in population databases (ExAC no frequency). This sequence change replaces isoleucine with valine at codon 594 of the HCN1 protein (p.Ile594Val). The isoleucine residue is highly conserved and there is a small physicochemical difference between isoleucine and valine. In summary, the available evidence is currently insufficient to determine the role of this variant in disease. Therefore, it has been classified as a Variant of Uncertain Significance.

NM_021072.4(HCN1):c.1780A>G (p.Ile594Val)

Gene: HCN1 (hyperpolarization activated cyclic nucleotide gated potassium channel 1; minus strand). Cytogenetic location: 5p12.
Variant type: single nucleotide variant.
Coding change: c.1780A>G on transcript NM_021072.4 (MANE Select); coding-DNA position 1780, A replaced by G.
Protein change: p.Ile594Val; replaces isoleucine 594 with valine.
Molecular consequence: missense variant.
Genome position (GRCh38, 1-based): chr5:45,267,092, T>C on the plus strand (A>G on the coding strand, the complement: HCN1 is on the minus strand). VCF-style: chr5-45267092-T-C. GRCh37 (hg19) VCF-style: chr5-45267194-T-C.
Other names: short protein forms I594V.
Identifiers: ClinVar variation 658579 (VCV000658579.9), dbSNP rs1579766327, ClinGen allele CA359705596.